The following is an entry in ClinVar:

NM_020207.7(ERCC6L2):c.825T>A (p.His275Gln)

Gene: ERCC6L2 (ERCC excision repair 6 like 2; plus strand). Cytogenetic location: 9q22.32.
Variant type: single nucleotide variant.
Coding change: c.825T>A on transcript NM_020207.7 (MANE Select); coding-DNA position 825, T replaced by A.
Protein change: p.His275Gln; replaces histidine 275 with glutamine.
Molecular consequence: missense variant. On other transcripts: non-coding transcript variant (1).
Genome position (GRCh38, 1-based): chr9:95,915,704, T>A. VCF-style: chr9-95915704-T-A. GRCh37 (hg19) VCF-style: chr9-98677986-T-A.
Other names: c.825T>A, p.His275Gln (NM_001375293.1, NM_001375294.1, NM_001010895.4 and 2 more transcripts); short protein forms H275Q.
Identifiers: ClinVar variation 4618738 (VCV004618738.1).

ClinVar aggregate classification (germline): Uncertain significance (1 of 4 stars; one submission).

Conditions:
Inborn genetic diseases. Identifiers: MedGen C0950123, MeSH D030342.

Submission:

Ambry Genetics
Classification: Uncertain significance for Inborn genetic diseases. Last evaluated: 2025-10-22. Review status: criteria provided, single submitter. Criteria: Ambry Variant Classification Scheme 2023. Collection method: clinical testing. Allele origin: germline.
Comment: The p.H275Q variant (also known as c.825T>A), located in coding exon 5 of the ERCC6L2 gene, results from a T to A substitution at nucleotide position 825. The histidine at codon 275 is replaced by glutamine, an amino acid with highly similar properties. This amino acid position is conserved. In addition, this alteration is predicted to be deleterious by in silico analysis. Based on the available evidence, the clinical significance of this variant remains unclear.